The following is an entry in ClinVar:

NC_000008.10:g.(?_94777614)_(94777894_?)del

Gene: TMEM67 (transmembrane protein 67; plus strand). Cytogenetic location: 8q22.1.
Variant type: Deletion.
Identifiers: ClinVar variation 3245504 (VCV003245504.1).

ClinVar aggregate classification (germline): Pathogenic (1 of 4 stars; one submission).

Conditions:
Joubert syndrome. Also called: CEREBELLOPARENCHYMAL DISORDER IV; JOUBERT-BOLTSHAUSER SYNDROME; Familial aplasia of the vermis. Identifiers: Orphanet 475, MedGen C5979921, MONDO:0018772.
Meckel-Gruber syndrome. Also called: DYSENCEPHALIA SPLANCHNOCYSTICA; GRUBER SYNDROME; Dysencephalia splachnocystica. Identifiers: Orphanet 564, MedGen C0265215, MONDO:0018921.

Submission:

Labcorp Genetics (formerly Invitae), Labcorp
Classification: Pathogenic for Joubert syndrome; Meckel-Gruber syndrome. Last evaluated: 2023-03-18. Review status: criteria provided, single submitter. Criteria: Invitae Variant Classification Sherloc (09022015). Collection method: clinical testing. Allele origin: unknown.
Comment: For these reasons, this variant has been classified as Pathogenic. This variant has not been reported in the literature in individuals affected with TMEM67-related conditions. This variant is a gross deletion of the genomic region encompassing exon(s) 5-6 of the TMEM67 gene. This deletion is out-of-frame, and is expected to create a premature termination codon and result in an absent or disrupted protein product. Loss-of-function variants in TMEM67 are known to be pathogenic (PMID: 20232449, 23559409).

Literature cited by the submitters: PubMed 20232449; PubMed 23559409.